The following is an entry in ClinVar:

ClinVar aggregate classification (germline): Benign. Review status: criteria provided, multiple submitters, no conflicts (2 of 4 stars). 4 submissions from 4 submitters: Benign (3). 1 of the submissions does not count toward it. Last evaluated 2026-01-28.

Conditions:
PRUNE1-related disorder. Also called: PRUNE1-related condition.

Allele frequency attached by ClinVar (database versions not stated): gnomAD exomes 0.00702; ExAC 0.00864; gnomAD 0.02751 and 0.02953; 1000 Genomes Project 0.03115; 1000 Genomes Project 30x 0.03451; TOPMed 0.03097; ESP Exome Variant Server 0.03298.
gnomAD v4.1: 8,110 of 1,613,922 alleles (0.5%); highest among the groups gnomAD compares: African/African-American, 9.5%; 310 homozygotes.

Submissions (4):

Labcorp Genetics (formerly Invitae), Labcorp
Classification: Benign. Last evaluated: 2026-01-28. Review status: criteria provided, single submitter. Criteria: Invitae Variant Classification Sherloc (09022015). Collection method: clinical testing. Allele origin: germline.

Mayo Clinic Laboratories, Mayo Clinic
Classification: Benign. Last evaluated: 2022-03-24. Review status: criteria provided, single submitter. Criteria: ACMG Guidelines, 2015. Collection method: clinical testing. Allele origin: germline. Observed: 3 variant alleles.

Breakthrough Genomics
Classification: Benign. Review status: criteria provided, single submitter. Criteria: ACMG Guidelines, 2015. Collection method: not provided. Allele origin: germline. Inheritance: Autosomal recessive inheritance. Affected: yes.

PreventionGenetics, part of Exact Sciences
Classification: Benign for PRUNE1-related condition. Last evaluated: 2019-11-06. Review status: no assertion criteria provided. Collection method: clinical testing. Allele origin: germline. Not counted in ClinVar's aggregate classification.
Comment: This variant is classified as benign based on ACMG/AMP sequence variant interpretation guidelines (Richards et al. 2015 PMID: 25741868, with internal and published modifications).

NM_021222.3(PRUNE1):c.404G>A (p.Cys135Tyr)

Gene: PRUNE1 (prune exopolyphosphatase 1; plus strand). Cytogenetic location: 1q21.3.
Variant type: single nucleotide variant.
Coding change: c.404G>A on transcript NM_021222.3 (MANE Select); coding-DNA position 404, G replaced by A.
Protein change: p.Cys135Tyr; replaces cysteine 135 with tyrosine.
Molecular consequence: missense variant. On other transcripts: 5 prime UTR variant (1), intron variant (1).
Genome position (GRCh38, 1-based): chr1:151,024,679, G>A. VCF-style: chr1-151024679-G-A. GRCh37 (hg19) VCF-style: chr1-150997155-G-A.
Other names: p.Cys135Tyr; c.-143G>A (NM_001303229.2); c.404G>A, p.Cys135Tyr (NM_001303242.2); c.77-2554G>A (NM_001303243.2); short protein forms C135Y.
Identifiers: ClinVar variation 767697 (VCV000767697.13), dbSNP rs56805474, ClinGen allele CA1083778.